The following is an entry in ClinVar:

NM_014049.5(ACAD9):c.514G>A (p.Gly172Arg)

Gene: ACAD9 (acyl-CoA dehydrogenase family member 9; plus strand). Cytogenetic location: 3q21.3.
Variant type: single nucleotide variant.
Coding change: c.514G>A on transcript NM_014049.5 (MANE Select); coding-DNA position 514, G replaced by A.
Protein change: p.Gly172Arg; replaces glycine 172 with arginine.
Molecular consequence: missense variant. On other transcripts: non-coding transcript variant (1).
Genome position (GRCh38, 1-based): chr3:128,896,496, G>A. VCF-style: chr3-128896496-G-A. GRCh37 (hg19) VCF-style: chr3-128615339-G-A.
Other names: short protein forms G172R.
Identifiers: ClinVar variation 372569 (VCV000372569.3), dbSNP rs761102100, ClinGen allele CA2601177.
Genomic context (GRCh38, chr3:128,896,496, plus strand): 5'-GGGATCATCTTGGCTGGCACTGAGGAGCAGAAAGCCAAATACTTGCCTAAACTGGCGTCC[G>A]GGGAGCACATTGCAGCCTTCTGCCTCACGGAGCCAGCCAGGTCTGTCTCTGCACAAAACG-3'
Protein context (NP_054768.2, residues 162-182): KAKYLPKLAS[Gly172Arg]EHIAAFCLTE

ClinVar aggregate classification (germline): Likely pathogenic. Review status: criteria provided, multiple submitters, no conflicts (2 of 4 stars). 3 submissions from 3 submitters: Likely pathogenic (2). 1 of the submissions does not count toward it. Last evaluated 2023-03-01.

Conditions:
ACAD9-related disorder. Also called: ACAD9-related condition.
Acyl-CoA dehydrogenase 9 deficiency. Also called: Acyl-CoA dehydrogenase family, member 9, deficiency of; MITOCHONDRIAL COMPLEX I DEFICIENCY, NUCLEAR TYPE 20. Identifiers: Orphanet 99901, MedGen C4747517, MONDO:0012624, OMIM 611126.

Allele frequency attached by ClinVar (database versions not stated): gnomAD 0.00001; gnomAD exomes 0.00001; TOPMed 0.00001.
gnomAD v4.1: 14 of 1,614,060 alleles (0.00087%); highest among the groups gnomAD compares: African/African-American, 0.004%; no homozygotes.

Submissions (3):

Blueprint Genetics
Classification: Likely pathogenic for ACAD9-related disorders. Last evaluated: 2023-03-01. Review status: criteria provided, single submitter. Criteria: ACMG Guidelines, 2015. Collection method: clinical testing. Allele origin: germline. Affected: yes. Observed: 2 variant alleles.

GeneDx
Classification: Likely pathogenic. Last evaluated: 2015-03-09. Review status: criteria provided, single submitter. Criteria: GeneDx Variant Classification (06012015). Collection method: clinical testing. Allele origin: germline. Affected: yes.
Comment: The G172R variant has not been published as a pathogenic variant, nor has it been reported as a benign polymorphism to our knowledge. The G172R variant is a non-conservative amino acid substitution, which is likely to impact secondary protein structureas these residues differ in polarity, charge, size and/or other properties. This substitution occurs at aposition that is conserved across species. In silico analysis predicts this variant is probably damaging to theprotein structure/function. Therefore, this variant is a strong candidate for a pathogenic variant, howeverthe possibility that it is a benign variant cannot be excluded.

Natera, Inc.
Classification: Likely pathogenic for ACAD9 deficiency. Last evaluated: 2020-09-16. Review status: no assertion criteria provided. Collection method: clinical testing. Allele origin: germline. Not counted in ClinVar's aggregate classification.